The following is an entry in ClinVar:

ClinVar aggregate classification (germline): Pathogenic (1 of 4 stars; one submission).

Conditions:
Vertebral, cardiac, tracheoesophageal, renal, and limb defects. Also called: VCTERL SYNDROME. Identifiers: MedGen C5543189, MONDO:0030987, OMIM 619227.

Submission:

Department of Medical Genetics, International Peace Maternity and Child Health Hospital, Shanghai Jiao Tong University School of Medicine
Classification: Pathogenic for Vertebral, cardiac, tracheoesophageal, renal, and limb defects. Last evaluated: 2026-03-24. Review status: criteria provided, single submitter. Criteria: ACMG Guidelines, 2015. Collection method: clinical testing. Allele origin: de novo. Affected: yes. Observed: 1 variant allele.
Comment: The variant is likely to trigger nonsense-mediated mRNA decay (NMD)(PVS1) and has not been included in gnomAD database (PM2_P)

NM_016312.3(WBP11):c.163C>T (p.Arg55Ter)

Gene: WBP11 (WW domain binding protein 11; minus strand). Cytogenetic location: 12p12.3.
Variant type: single nucleotide variant.
Coding change: c.163C>T on transcript NM_016312.3 (MANE Select); coding-DNA position 163, C replaced by T.
Protein change: p.Arg55Ter; replaces arginine 55 with a stop codon.
Molecular consequence: nonsense.
Genome position (GRCh38, 1-based): chr12:14,799,662, G>A on the plus strand (C>T on the coding strand, the complement: WBP11 is on the minus strand). VCF-style: chr12-14799662-G-A. GRCh37 (hg19) VCF-style: chr12-14952596-G-A.
Other names: short protein forms R55*.
Identifiers: ClinVar variation 4819266 (VCV004819266.1).
Genomic context (GRCh38, chr12:14,799,662, plus strand): 5'-GACTGTTATAGCTGCCTGTTTGTAAATTCTTACCCATTTCATCCAATTTCTCCATGTCTC[G>A]GATTATCTGTTTTGGATCCTTCATCTTTAAAACTGCAGCTCGAACCATCATGCGCTGTTT-3'